The following is an entry in ClinVar:

ClinVar aggregate classification (germline): Uncertain significance. Review status: criteria provided, multiple submitters, no conflicts (2 of 4 stars). 6 submissions from 6 submitters: Uncertain significance (5). 1 of the submissions does not count toward it. Last evaluated 2026-01-07.

Conditions:
SQSTM1-related disorder. Also called: SQSTM1-Related Disorders.
Inborn genetic diseases. Identifiers: MedGen C0950123, MeSH D030342.
Frontotemporal dementia and/or amyotrophic lateral sclerosis 1 (FTDALS1). Also called: Frontotemporal dementia with motor neuron disease 1; C9orf72 Frontotemporal Dementia and/or Amyotrophic Lateral Sclerosis. Identifiers: Orphanet 275872, MedGen C5779877, MONDO:0007105, OMIM 105550.
Paget disease of bone 2, early-onset (PDB2). Also called: Paget disease of bone 2. Identifiers: MedGen C4085251, MONDO:0011183, OMIM 602080.

Allele frequency attached by ClinVar (database versions not stated): gnomAD 0.00015 and 0.00013; ESP Exome Variant Server 0.00008; gnomAD exomes 0.00012 and 0.00022; TOPMed 0.00015; ExAC 0.00017.
gnomAD v4.1: 327 of 1,613,404 alleles (0.02%); highest among the groups gnomAD compares: Non-Finnish European, 0.027%; no homozygotes.

Submissions (6):

Labcorp Genetics (formerly Invitae), Labcorp
Classification: Uncertain significance for Paget disease of bone 2, early-onset; Frontotemporal dementia and/or amyotrophic lateral sclerosis 1. Last evaluated: 2026-01-07. Review status: criteria provided, single submitter. Criteria: Invitae Variant Classification Sherloc (09022015). Collection method: clinical testing. Allele origin: germline.
Comment: This sequence change replaces proline, which is neutral and non-polar, with serine, which is neutral and polar, at codon 118 of the SQSTM1 protein (p.Pro118Ser). This variant is present in population databases (rs200152247, gnomAD 0.02%). This missense change has been observed in individual(s) with early-onset dementia (PMID: 25796131). ClinVar contains an entry for this variant (Variation ID: 567262). Invitae Evidence Modeling of protein sequence and biophysical properties (such as structural, functional, and spatial information, amino acid conservation, physicochemical variation, residue mobility, and thermodynamic stability) indicates that this missense variant is not expected to disrupt SQSTM1 protein function with a negative predictive value of 80%. In summary, the available evidence is currently insufficient to determine the role of this variant in disease. Therefore, it has been classified as a Variant of Uncertain Significance.

Women's Health and Genetics/Laboratory Corporation of America, LabCorp
Classification: Uncertain significance. Last evaluated: 2025-10-15. Review status: criteria provided, single submitter. Criteria: LabCorp Variant Classification Summary - May 2015. Collection method: clinical testing. Allele origin: germline.
Comment: Variant summary: SQSTM1 c.352C>T (p.Pro118Ser) results in a non-conservative amino acid change in the encoded protein sequence. Algorithms developed to predict the effect of missense changes on protein structure and function are either unavailable or do not agree on the potential impact of this missense change. The variant allele was found at a frequency of 0.00012 in 250558 control chromosomes (gnomAD). This frequency is not significantly higher than estimated for disease-causing variants in SQSTM1, allowing no conclusion about variant significance. c.352C>T has been observed in individuals affected with SQSTM1-Related Disorders (van der Zee_2014, Cuyvers_2015, Scarlino_2020). These reports do not provide unequivocal conclusions about association of the variant with SQSTM1-Related Disorders. To our knowledge, no experimental evidence demonstrating an impact on protein function has been reported. The following publications have been ascertained in the context of this evaluation (PMID: 25796131, 32397312, 24899140). ClinVar contains an entry for this variant (Variation ID: 567262). Based on the evidence outlined above, the variant was classified as uncertain significance.

Mayo Clinic Laboratories, Mayo Clinic
Classification: Uncertain significance. Last evaluated: 2024-12-31. Review status: criteria provided, single submitter. Criteria: ACMG Guidelines, 2015. Collection method: clinical testing. Allele origin: germline. Observed: 5 variant alleles.
Comment: BP4

GeneDx
Classification: Uncertain significance. Last evaluated: 2024-09-04. Review status: criteria provided, single submitter. Criteria: GeneDx Variant Classification Process June 2021. Collection method: clinical testing. Allele origin: germline.
Comment: In silico analysis supports that this missense variant has a deleterious effect on protein structure/function; This variant is associated with the following publications: (PMID: 24899140, 25796131, 32397312, 27275741)

Ambry Genetics
Classification: Uncertain significance for Inborn genetic diseases. Last evaluated: 2021-12-03. Review status: criteria provided, single submitter. Criteria: Ambry Variant Classification Scheme 2023. Collection method: clinical testing. Allele origin: germline.

PreventionGenetics, part of Exact Sciences
Classification: Uncertain significance for SQSTM1-related condition. Last evaluated: 2024-08-29. Review status: no assertion criteria provided. Collection method: clinical testing. Allele origin: germline. Not counted in ClinVar's aggregate classification.
Comment: The SQSTM1 c.352C>T variant is predicted to result in the amino acid substitution p.Pro118Ser. This variant has been reported in two individuals with amyotrophic lateral sclerosis (Scarlino et al. 2020. PubMed ID: 32397312; Table 2, van der Zee et al. 2014. PubMed ID: 24899140), but was also found in unaffected controls (van der Zee et al. 2014. PubMed ID: 24899140). It has also been reported in an individual with early-onset dementia (Table S2, Cuyvers et al. 2015. PubMed ID: 25796131). This variant is reported in 0.023% of alleles in individuals of European (non-Finnish) descent in gnomAD. At this time, the clinical significance of this variant is uncertain due to the absence of conclusive functional and genetic evidence.

Literature cited by the submitters: PubMed 25796131 (cited by 3 submitters); PubMed 32397312 (cited by Women's Health and Genetics/Laboratory Corporation of America, LabCorp and Mayo Clinic Laboratories, Mayo Clinic); PubMed 24899140 (cited by Women's Health and Genetics/Laboratory Corporation of America, LabCorp and Mayo Clinic Laboratories, Mayo Clinic).

NM_003900.5(SQSTM1):c.352C>T (p.Pro118Ser)

Gene: SQSTM1 (sequestosome 1; plus strand). Cytogenetic location: 5q35.3.
Variant type: single nucleotide variant.
Coding change: c.352C>T on transcript NM_003900.5 (MANE Select); coding-DNA position 352, C replaced by T.
Protein change: p.Pro118Ser; replaces proline 118 with serine.
Molecular consequence: missense variant.
Genome position (GRCh38, 1-based): chr5:179,823,908, C>T. VCF-style: chr5-179823908-C-T. GRCh37 (hg19) VCF-style: chr5-179250908-C-T.
Other names: p.Pro118Ser; c.100C>T, p.Pro34Ser (NM_001142298.2, NM_001142299.2); short protein forms P118S, P34S.
Identifiers: ClinVar variation 567262 (VCV000567262.18), dbSNP rs200152247, ClinGen allele CA3600483.